The following is an entry in ClinVar:

NM_015271.5(TRIM2):c.57C>T (p.Ala19=)

Gene: TRIM2 (tripartite motif containing 2; plus strand). Cytogenetic location: 4q31.3.
Variant type: single nucleotide variant.
Coding change: c.57C>T on transcript NM_015271.5 (MANE Select); coding-DNA position 57, C replaced by T.
Protein change: p.Ala19=; no amino-acid change (alanine 19 retained).
Molecular consequence: synonymous variant. On other transcripts: 5 prime UTR variant (11), intron variant (1).
Genome position (GRCh38, 1-based): chr4:153,270,361, C>T. VCF-style: chr4-153270361-C-T. GRCh37 (hg19) VCF-style: chr4-154191513-C-T.
Other names: c.-25C>T (NM_001130067.2, NM_001351056.2, NM_001375512.1 and 5 more transcripts); c.57C>T, p.Ala19= (NM_001302692.2, NM_001375488.1, NM_001375490.1 and 1 more transcripts); c.54C>T, p.Ala18= (NM_001302693.2, NM_001375489.1, NM_001375491.1 and 1 more transcripts); c.30C>T, p.Ala10= (NM_001302694.2, NM_001351054.2); c.27C>T, p.Ala9= (NM_001351055.2); c.-501C>T (NM_001351057.2); c.-233C>T (NM_001375522.1, NM_001375523.1); c.-124-5532C>T (NM_001375525.1).
Identifiers: ClinVar variation 3033195 (VCV003033195.2), dbSNP rs1005610933, ClinGen allele CA107901135.

ClinVar aggregate classification (germline): Likely benign (0 of 4 stars; one submission).

Conditions:
TRIM2-related disorder. Also called: TRIM2-related condition.

Allele frequency attached by ClinVar (database versions not stated): gnomAD 0.00001; gnomAD exomes 0.00001; TOPMed 0.00003.
gnomAD v4.1: 17 of 1,613,110 alleles (0.0011%); highest among the groups gnomAD compares: Non-Finnish European, 0.0014%; no homozygotes.

Submission:

PreventionGenetics, part of Exact Sciences
Classification: Likely benign for TRIM2-related condition. Last evaluated: 2019-06-11. Review status: no assertion criteria provided. Collection method: clinical testing. Allele origin: germline.
Comment: This variant is classified as likely benign based on ACMG/AMP sequence variant interpretation guidelines (Richards et al. 2015 PMID: 25741868, with internal and published modifications).